The following is an entry in ClinVar:

NM_014317.5(PDSS1):c.958G>A (p.Gly320Ser)

Gene: PDSS1 (decaprenyl diphosphate synthase subunit 1; plus strand). Cytogenetic location: 10p12.1.
Variant type: single nucleotide variant.
Coding change: c.958G>A on transcript NM_014317.5 (MANE Select); coding-DNA position 958, G replaced by A.
Protein change: p.Gly320Ser; replaces glycine 320 with serine.
Molecular consequence: missense variant. On other transcripts: intron variant (1).
Genome position (GRCh38, 1-based): chr10:26,735,511, G>A. VCF-style: chr10-26735511-G-A. GRCh37 (hg19) VCF-style: chr10-27024440-G-A.
Other names: c.448G>A, p.Gly150Ser (NM_001321979.2); c.836-6986G>A (NM_001321978.2); short protein forms G150S, G320S.
Identifiers: ClinVar variation 4746509 (VCV004746509.1).

ClinVar aggregate classification (germline): Uncertain significance (1 of 4 stars; one submission).

Submission:

Labcorp Genetics (formerly Invitae), Labcorp
Classification: Uncertain significance. Last evaluated: 2025-12-15. Review status: criteria provided, single submitter. Criteria: Invitae Variant Classification Sherloc (09022015). Collection method: clinical testing. Allele origin: germline.
Comment: This sequence change replaces glycine, which is neutral and non-polar, with serine, which is neutral and polar, at codon 320 of the PDSS1 protein (p.Gly320Ser). This variant is not present in population databases (gnomAD no frequency). This variant has not been reported in the literature in individuals affected with PDSS1-related conditions. Invitae Evidence Modeling of protein sequence and biophysical properties (such as structural, functional, and spatial information, amino acid conservation, physicochemical variation, residue mobility, and thermodynamic stability) indicates that this missense variant is expected to disrupt PDSS1 protein function with a positive predictive value of 80%. In summary, the available evidence is currently insufficient to determine the role of this variant in disease. Therefore, it has been classified as a Variant of Uncertain Significance.